The following is an entry in ClinVar:

NM_006231.4(POLE):c.4953-5T>G

Gene: POLE (DNA polymerase epsilon, catalytic subunit; minus strand). Cytogenetic location: 12q24.33.
Variant type: single nucleotide variant.
Coding change: c.4953-5T>G on transcript NM_006231.4 (MANE Select); 5 bases into the intron before coding-DNA position 4953, T replaced by G.
Molecular consequence: intron variant.
Genome position (GRCh38, 1-based): chr12:132,642,402, A>C on the plus strand (T>G on the coding strand, the complement: POLE is on the minus strand). VCF-style: chr12-132642402-A-C. GRCh37 (hg19) VCF-style: chr12-133218988-A-C.
Identifiers: ClinVar variation 484573 (VCV000484573.7), dbSNP rs757060708, ClinGen allele CA6892649.

ClinVar aggregate classification (germline): Uncertain significance. Review status: criteria provided, multiple submitters, no conflicts (2 of 4 stars). 2 submissions from 2 submitters: Uncertain significance (2). Last evaluated 2020-09-09.

Conditions:
Hereditary cancer-predisposing syndrome. Also called: Neoplastic Syndromes, Hereditary; Tumor predisposition; Hereditary Cancer Syndrome; Hereditary neoplastic syndrome. Identifiers: Orphanet 140162, MedGen C0027672, MeSH D009386, MONDO:0015356.

Allele frequency attached by ClinVar (database versions not stated): ExAC 0.00002.
gnomAD v4.1: 3 of 1,581,742 alleles (0.00019%); highest among the groups gnomAD compares: Non-Finnish European, 0.00026%; no homozygotes.

Submissions (2):

GeneDx
Classification: Uncertain significance. Last evaluated: 2020-09-09. Review status: criteria provided, single submitter. Criteria: GeneDx Variant Classification Process June 2021. Collection method: clinical testing. Allele origin: germline. Affected: yes.
Comment: Not observed at a significant frequency in large population cohorts (Lek 2016); Has not been previously published as pathogenic or benign to our knowledge; In silico analysis, which includes splice predictors and evolutionary conservation, is inconclusive as to whether the variant alters gene splicing. In the absence of RNA/functional studies, the actual effect of this sequence change is unknown.

Ambry Genetics
Classification: Uncertain significance for Hereditary cancer-predisposing syndrome. Last evaluated: 2020-05-07. Review status: criteria provided, single submitter. Criteria: Ambry Variant Classification Scheme 2023. Collection method: clinical testing. Allele origin: germline.
Comment: The c.4953-5T>G intronic variant results from a T to G substitution 5 nucleotides upstream from coding exon 38 in the POLE gene. This nucleotide position is well conserved on limited sequence alignment. Using the BDGP and ESEfinder splice site prediction tools, this alteration is not predicted to have any significant effect on this splice acceptor site; however, direct evidence is unavailable. Since supporting evidence is limited at this time, the clinical significance of this alteration remains unclear.